The following is an entry in ClinVar:

NM_002016.2(FLG):c.1842T>C (p.Ser614=)

Genes: CCDST (cervical cancer associated DHX9 suppressive transcript; plus strand), FLG (filaggrin; minus strand). Cytogenetic location: 1q21.3.
Variant type: single nucleotide variant.
Coding change: c.1842T>C on transcript NM_002016.2 (MANE Select); coding-DNA position 1842, T replaced by C.
Protein change: p.Ser614=; no amino-acid change (serine 614 retained).
Molecular consequence: synonymous variant.
Genome position (GRCh38, 1-based): chr1:152,313,044, A>G on the plus strand (T>C on the coding strand, the complement: FLG is on the minus strand). VCF-style: chr1-152313044-A-G. GRCh37 (hg19) VCF-style: chr1-152285520-A-G.
Identifiers: ClinVar variation 3905335 (VCV003905335.10).

ClinVar aggregate classification (germline): Likely benign (1 of 4 stars; one submission).

gnomAD v4.1: 17 of 1,613,634 alleles (0.0011%); highest among the groups gnomAD compares: East Asian, 0.0089%; no homozygotes.

Submission:

CeGaT Center for Human Genetics Tuebingen
Classification: Likely benign. Last evaluated: 2025-05-01. Review status: criteria provided, single submitter. Criteria: CeGaT Center For Human Genetics Tuebingen Variant Classification Criteria Version 2. Collection method: clinical testing. Allele origin: germline. Affected: yes. Observed: 1 variant allele.
Comment: FLG: BP4, BP7